The following is an entry in ClinVar:

ClinVar aggregate classification (germline): Pathogenic (1 of 4 stars; one submission).

Conditions:
Neurofibromatosis, type 1 (NF1). Also called: VON RECKLINGHAUSEN DISEASE; Peripheral type neurofibromatosis; Neurofibromatosis, type I; NEUROFIBROMATOSIS, TYPE I, SOMATIC. Identifiers: Orphanet 636, MedGen C0027831, MONDO:0018975, OMIM 162200. Disease mechanism: loss of function.

Submission:

Labcorp Genetics (formerly Invitae), Labcorp
Classification: Pathogenic for Neurofibromatosis, type 1. Last evaluated: 2022-11-29. Review status: criteria provided, single submitter. Criteria: Invitae Variant Classification Sherloc (09022015). Collection method: clinical testing. Allele origin: germline.
Comment: For these reasons, this variant has been classified as Pathogenic. This variant has not been reported in the literature in individuals affected with NF1-related conditions. This variant is not present in population databases (gnomAD no frequency). This sequence change creates a premature translational stop signal (p.Ile386Asnfs*10) in the NF1 gene. It is expected to result in an absent or disrupted protein product. Loss-of-function variants in NF1 are known to be pathogenic (PMID: 10712197, 23913538).

Literature cited by the submitters: PubMed 10712197; PubMed 23913538.

NM_001042492.3(NF1):c.1156dup (p.Ile386fs)

Gene: NF1 (neurofibromin 1; plus strand). Cytogenetic location: 17q11.2.
Variant type: Duplication.
Coding change: c.1156dup on transcript NM_001042492.3 (MANE Select); coding-DNA position 1156, one base duplicated (A; older notation c.1156dupA).
Protein change: p.Ile386fs; shifts the reading frame from isoleucine 386.
Molecular consequence: frameshift variant.
Genome position (GRCh38, 1-based): chr17:31,201,130, A duplicated. VCF-style (leftmost placement, unchanged base first): chr17-31201129-T-TA. GRCh37 (hg19) VCF-style: chr17-29528147-T-TA.
Other names: c.1156dup, p.Ile386Asnfs (NM_000267.4); c.1156dup, p.Ile386fs (NM_001128147.3); short protein forms I386fs.
Identifiers: ClinVar variation 2817482 (VCV002817482.3), dbSNP rs2544797349, ClinGen allele CA2739267333.